The following is an entry in ClinVar:

NM_004369.4(COL6A3):c.4549G>A (p.Gly1517Ser)

Gene: COL6A3 (collagen type VI alpha 3 chain; minus strand). Cytogenetic location: 2q37.3.
Variant type: single nucleotide variant.
Coding change: c.4549G>A on transcript NM_004369.4 (MANE Select); coding-DNA position 4549, G replaced by A.
Protein change: p.Gly1517Ser; replaces glycine 1517 with serine.
Molecular consequence: missense variant.
Genome position (GRCh38, 1-based): chr2:237,368,914, C>T on the plus strand (G>A on the coding strand, the complement: COL6A3 is on the minus strand). VCF-style: chr2-237368914-C-T. GRCh37 (hg19) VCF-style: chr2-238277557-C-T.
Other names: c.2728G>A, p.Gly910Ser (NM_057166.5); c.3931G>A, p.Gly1311Ser (NM_057167.4); short protein forms G1311S, G910S, G1517S.
Identifiers: ClinVar variation 2098195 (VCV002098195.4), dbSNP rs1268277315, ClinGen allele CA351193074.

ClinVar aggregate classification (germline): Uncertain significance (1 of 4 stars; one submission).

Conditions:
Bethlem myopathy 1A. Also called: MYOPATHY, BENIGN CONGENITAL, WITH CONTRACTURES; Bethlem myopathy 1; Bethlem Muscular Dystrophy. Identifiers: Orphanet 610, MedGen CN029274, MONDO:0024530, OMIM 158810.

Allele frequency attached by ClinVar (database versions not stated): gnomAD exomes 0.00001.
gnomAD v4.1: 12 of 1,614,200 alleles (0.00074%); highest among the groups gnomAD compares: East Asian, 0.0022%; no homozygotes.

Submission:

Labcorp Genetics (formerly Invitae), Labcorp
Classification: Uncertain significance for Bethlem myopathy 1A. Last evaluated: 2022-07-11. Review status: criteria provided, single submitter. Criteria: Invitae Variant Classification Sherloc (09022015). Collection method: clinical testing. Allele origin: germline.
Comment: This variant is present in population databases (no rsID available, gnomAD 0.0009%). In summary, the available evidence is currently insufficient to determine the role of this variant in disease. Therefore, it has been classified as a Variant of Uncertain Significance. Algorithms developed to predict the effect of missense changes on protein structure and function are either unavailable or do not agree on the potential impact of this missense change (SIFT: "Tolerated"; PolyPhen-2: "Probably Damaging"; Align-GVGD: "Class C0"). This missense change has been observed in individual(s) with dystonia (PMID: 32037012). This sequence change replaces glycine, which is neutral and non-polar, with serine, which is neutral and polar, at codon 1517 of the COL6A3 protein (p.Gly1517Ser).

Literature cited by the submitters: PubMed 32037012.